The following is an entry in ClinVar:

NM_006015.6(ARID1A):c.2172G>A (p.Met724Ile)

Gene: ARID1A (AT-rich interaction domain 1A; plus strand). Cytogenetic location: 1p36.11.
Variant type: single nucleotide variant.
Coding change: c.2172G>A on transcript NM_006015.6 (MANE Select); coding-DNA position 2172, G replaced by A.
Protein change: p.Met724Ile; replaces methionine 724 with isoleucine.
Molecular consequence: missense variant.
Genome position (GRCh38, 1-based): chr1:26,761,394, G>A. VCF-style: chr1-26761394-G-A. GRCh37 (hg19) VCF-style: chr1-27087885-G-A.
Other names: c.2172G>A, p.Met724Ile (NM_139135.4); short protein forms M724I.
Identifiers: ClinVar variation 1331508 (VCV001331508.4), dbSNP rs2080990682, ClinGen allele CA339154666.

ClinVar aggregate classification (germline): Uncertain significance (1 of 4 stars; one submission).

Allele frequency attached by ClinVar (database versions not stated): TOPMed below 0.00001; gnomAD 0.00001.
gnomAD v4.1: 1 of 1,614,082 alleles (0.000062%); highest among the groups gnomAD compares: African/African-American, 0.0013%; no homozygotes.

Submission:

Greenwood Genetic Center Diagnostic Laboratories, Greenwood Genetic Center
Classification: Uncertain significance. Last evaluated: 2020-11-09. Review status: criteria provided, single submitter. Criteria: ACMG Guidelines, 2015. Collection method: clinical testing. Allele origin: germline. Affected: yes.
Comment: PM2